The following is an entry in ClinVar:

NM_018013.4(SOBP):c.1615A>G (p.Ile539Val)

Gene: SOBP (sine oculis binding protein homolog; plus strand). Cytogenetic location: 6q21.
Variant type: single nucleotide variant.
Coding change: c.1615A>G on transcript NM_018013.4 (MANE Select); coding-DNA position 1615, A replaced by G.
Protein change: p.Ile539Val; replaces isoleucine 539 with valine.
Molecular consequence: missense variant.
Genome position (GRCh38, 1-based): chr6:107,634,459, A>G. VCF-style: chr6-107634459-A-G. GRCh37 (hg19) VCF-style: chr6-107955663-A-G.
Other names: short protein forms I539V.
Identifiers: ClinVar variation 130360 (VCV000130360.11), dbSNP rs146747167, ClinGen allele CA155266.

ClinVar aggregate classification (germline): Benign. Review status: criteria provided, multiple submitters, no conflicts (2 of 4 stars). 3 submissions from 3 submitters: Benign (2). 1 of the submissions does not count toward it. Last evaluated 2019-12-31.

Allele frequency attached by ClinVar (database versions not stated): ESP Exome Variant Server 0.00367; gnomAD 0.00548 and 0.00609; TOPMed 0.00638; gnomAD exomes 0.00691; ExAC 0.00727; 1000 Genomes Project 30x 0.01031; 1000 Genomes Project 0.01058.
gnomAD v4.1: 7,372 of 1,609,272 alleles (0.46%); highest among the groups gnomAD compares: Middle Eastern, 2.7%; 71 homozygotes.

Submissions (3):

Labcorp Genetics (formerly Invitae), Labcorp
Classification: Benign. Last evaluated: 2019-12-31. Review status: criteria provided, single submitter. Criteria: Invitae Variant Classification Sherloc (09022015). Collection method: clinical testing. Allele origin: germline.

Center for Pediatric Genomic Medicine, Children's Mercy Hospital and Clinics
Classification: Benign. Last evaluated: 2016-12-30. Review status: criteria provided, single submitter. Criteria: ACMG Guidelines, 2015. Collection method: clinical testing. Allele origin: germline.

Genetic Services Laboratory, University of Chicago
Classification: Likely benign for AllHighlyPenetrant. Review status: no assertion criteria provided. Collection method: clinical testing. Allele origin: germline. Inheritance: Autosomal recessive inheritance. Not counted in ClinVar's aggregate classification.
Comment: Likely benign based on allele frequency in 1000 Genomes Project or ESP global frequency and its presence in a patient with a rare or unrelated disease phenotype. NOT Sanger confirmed.